The following is an entry in ClinVar:

NM_000404.4(GLB1):c.1347+2del

Gene: GLB1 (galactosidase beta 1; minus strand). Cytogenetic location: 3p22.3.
Variant type: Deletion.
Coding change: c.1347+2del on transcript NM_000404.4 (MANE Select); the canonical splice donor site of the intron after coding-DNA position 1347, one base deleted (T; older notation c.1347+2delT).
Molecular consequence: splice donor variant.
Genome position (GRCh38, 1-based): chr3:33,018,446, A deleted on the plus strand (T on the coding strand, the reverse complement: GLB1 is on the minus strand). VCF-style (leftmost placement, unchanged base first): chr3-33018445-TA-T. GRCh37 (hg19) VCF-style: chr3-33059937-TA-T.
Other names: c.1347+2del (NM_001393580.1); c.954+2del (NM_001135602.3); c.1491+2del (NM_001317040.2); c.1257+2del (NM_001079811.3).
Identifiers: ClinVar variation 4786382 (VCV004786382.1).

ClinVar aggregate classification (germline): Likely pathogenic (1 of 4 stars; one submission).

Conditions:
GM1 gangliosidosis. Identifiers: Orphanet 354, MedGen C0085131, MONDO:0018149.
Mucopolysaccharidosis, MPS-IV-B (MPS4B). Also called: MORQUIO SYNDROME B; Mucopolysaccharidosis type IVB (Morquio); MPS IVB; Mucopolysaccharidosis type IV B; Mucopolysaccharidosis Type IVB; Mucopolysaccharidosis type 4B. Identifiers: Orphanet 309310, Orphanet 582, MedGen C0086652, MONDO:0009660, OMIM 253010.

Submission:

Labcorp Genetics (formerly Invitae), Labcorp
Classification: Likely pathogenic for Mucopolysaccharidosis, MPS-IV-B; GM1 gangliosidosis. Last evaluated: 2025-10-11. Review status: criteria provided, single submitter. Criteria: Invitae Variant Classification Sherloc (09022015). Collection method: clinical testing. Allele origin: germline.
Comment: This sequence change affects a splice site in intron 13 of the GLB1 gene. It is expected to disrupt RNA splicing. Variants that disrupt the donor or acceptor splice site typically lead to a loss of protein function (PMID: 16199547), and loss-of-function variants in GLB1 are known to be pathogenic (PMID: 18524657). This variant is not present in population databases (gnomAD no frequency). This variant has not been reported in the literature in individuals affected with GLB1-related conditions. Algorithms developed to predict the effect of sequence changes on RNA splicing suggest that this variant may disrupt the consensus splice site. In summary, the currently available evidence indicates that the variant is pathogenic, but additional data are needed to prove that conclusively. Therefore, this variant has been classified as Likely Pathogenic.

Literature cited by the submitters: PubMed 16199547; PubMed 18524657.